The following is an entry in ClinVar:

NM_014141.6(CNTNAP2):c.1777+266T>G

Gene: CNTNAP2 (contactin associated protein 2; plus strand). Cytogenetic location: 7q35.
Variant type: single nucleotide variant.
Coding change: c.1777+266T>G on transcript NM_014141.6 (MANE Select); 266 bases into the intron after coding-DNA position 1777, T replaced by G.
Molecular consequence: intron variant.
Genome position (GRCh38, 1-based): chr7:147,486,307, T>G. VCF-style: chr7-147486307-T-G. GRCh37 (hg19) VCF-style: chr7-147183399-T-G.
Identifiers: ClinVar variation 668648 (VCV000668648.1), dbSNP rs1468370, ClinGen allele CA12487306.
Genomic context (GRCh38, chr7:147,486,307, plus strand): 5'-GACTCAAAAAGAAGGACCAGCATTTCCTCTGTTCCATAAACACATAGTTGAGATTGGAAG[T>G]CCAAACTTGGATTCGCCTCTCTGTGTCTAACCCACATCTGTTGGGTCGATTGTTTGGGAA-3'

ClinVar aggregate classification (germline): Benign (1 of 4 stars; one submission).

Allele frequency attached by ClinVar (database versions not stated): gnomAD 0.79790 and 0.79993; TOPMed 0.81019; 1000 Genomes Project 0.82069; 1000 Genomes Project 30x 0.82277.
gnomAD v4.1: 121,165 of 152,136 alleles (80%); highest among the groups gnomAD compares: African/African-American, 93%; 48,820 homozygotes.

Submission:

GeneDx
Classification: Benign. Last evaluated: 2018-06-18. Review status: criteria provided, single submitter. Criteria: GeneDx Variant Classification (06012015). Collection method: clinical testing. Allele origin: germline. Affected: yes.
Comment: This variant is considered likely benign or benign based on one or more of the following criteria: it is a conservative change, it occurs at a poorly conserved position in the protein, it is predicted to be benign by multiple in silico algorithms, and/or has population frequency not consistent with disease.